The following is an entry in ClinVar:

NM_000138.5(FBN1):c.3251G>A (p.Gly1084Asp)

Gene: FBN1 (fibrillin 1; minus strand). Cytogenetic location: 15q21.1.
Variant type: single nucleotide variant.
Coding change: c.3251G>A on transcript NM_000138.5 (MANE Select); coding-DNA position 3251, G replaced by A.
Protein change: p.Gly1084Asp; replaces glycine 1084 with aspartic acid.
Molecular consequence: missense variant.
Genome position (GRCh38, 1-based): chr15:48,488,199, C>T on the plus strand (G>A on the coding strand, the complement: FBN1 is on the minus strand). VCF-style: chr15-48488199-C-T. GRCh37 (hg19) VCF-style: chr15-48780396-C-T.
Other names: c.3251G>A, p.Gly1084Asp (NM_001406716.1); short protein forms G1084D.
Identifiers: ClinVar variation 4792919 (VCV004792919.1).

ClinVar aggregate classification (germline): Likely pathogenic (1 of 4 stars; one submission).

Conditions:
Marfan syndrome (MFS). Also called: FBN1-Related Marfan Syndrome; MARFAN SYNDROME, TYPE I; Marfan syndrome type 1; Marfan's syndrome; Marfan syndrome, classic. Identifiers: Orphanet 284963, Orphanet 558, MedGen C0024796, MONDO:0007947, OMIM 154700.
Familial thoracic aortic aneurysm and aortic dissection (TAAD). Also called: Thoracic aortic aneurysms and dissections. Identifiers: Orphanet 91387, MedGen C4707243, MONDO:0019625.

Submission:

Labcorp Genetics (formerly Invitae), Labcorp
Classification: Likely pathogenic for Marfan syndrome; Familial thoracic aortic aneurysm and aortic dissection. Last evaluated: 2026-01-11. Review status: criteria provided, single submitter. Criteria: Invitae Variant Classification Sherloc (09022015). Collection method: clinical testing. Allele origin: germline.
Comment: This sequence change replaces glycine, which is neutral and non-polar, with aspartic acid, which is acidic and polar, at codon 1084 of the FBN1 protein (p.Gly1084Asp). This variant is not present in population databases (gnomAD no frequency). This variant has not been reported in the literature in individuals affected with FBN1-related conditions. Invitae Evidence Modeling of protein sequence and biophysical properties (such as structural, functional, and spatial information, amino acid conservation, physicochemical variation, residue mobility, and thermodynamic stability) indicates that this missense variant is expected to disrupt FBN1 protein function with a positive predictive value of 95%. This variant disrupts the p.Gly1084 amino acid residue in FBN1. Other variant(s) that disrupt this residue have been determined to be pathogenic (PMID: 25652356, 34498425; internal data). This suggests that this residue is clinically significant, and that variants that disrupt this residue are likely to be disease-causing. In summary, the currently available evidence indicates that the variant is pathogenic, but additional data are needed to prove that conclusively. Therefore, this variant has been classified as Likely Pathogenic.

Literature cited by the submitters: PubMed 25652356; PubMed 34498425.